The following is an entry in ClinVar:

NM_016284.5(CNOT1):c.378+2T>G

Gene: CNOT1 (CCR4-NOT transcription complex subunit 1; minus strand). Cytogenetic location: 16q21.
Variant type: single nucleotide variant.
Coding change: c.378+2T>G on transcript NM_016284.5 (MANE Select); the canonical splice donor site of the intron after coding-DNA position 378, T replaced by G.
Molecular consequence: splice donor variant.
Genome position (GRCh38, 1-based): chr16:58,587,343, A>C on the plus strand (T>G on the coding strand, the complement: CNOT1 is on the minus strand). VCF-style: chr16-58587343-A-C. GRCh37 (hg19) VCF-style: chr16-58621247-A-C.
Other names: c.378+2T>G (NM_001265612.2, NM_206999.3).
Identifiers: ClinVar variation 3834554 (VCV003834554.1).

ClinVar aggregate classification (germline): Uncertain significance (1 of 4 stars; one submission).

Conditions:
Inborn genetic diseases. Identifiers: MedGen C0950123, MeSH D030342.

Submission:

Ambry Genetics
Classification: Uncertain significance for Inborn genetic diseases. Last evaluated: 2025-01-30. Review status: criteria provided, single submitter. Criteria: Ambry Variant Classification Scheme 2023. Collection method: clinical testing. Allele origin: germline.
Comment: The c.378+2T>G intronic alteration consists of a T to G substitution two nucleotides after coding exon 4 of the CNOT1 gene. Alterations that disrupt the canonical splice site are expected to result in aberrant splicing. The resulting transcript is predicted to be in-frame and is not expected to trigger nonsense-mediated mRNA decay, although direct evidence is unavailable. This variant was not reported in population-based cohorts in the Genome Aggregation Database (gnomAD). This nucleotide position is highly conserved in available vertebrate species. In silico splice site analysis predicts that this alteration will weaken the native splice donor site. Based on insufficient or conflicting evidence, the clinical significance of this alteration remains unclear.